The following is an entry in ClinVar:

ClinVar aggregate classification (germline): Likely pathogenic. Review status: criteria provided, single submitter (1 of 4 stars). 2 submissions from 2 submitters: Likely pathogenic (1). 1 of the submissions does not count toward it. Last evaluated 2021-08-28.

Conditions:
Methylmalonic aciduria due to methylmalonyl-CoA mutase deficiency (MAMM). Also called: Methylmalonic aciduria, mut type. Identifiers: Orphanet 27, MedGen C1855114, MONDO:0009612, OMIM 251000.

Allele frequency attached by ClinVar (database versions not stated): gnomAD exomes below 0.00001.
gnomAD v4.1: 2 of 1,593,010 alleles (0.00013%); highest among the groups gnomAD compares: Non-Finnish European, 0.00017%; no homozygotes.

Submissions (2):

Labcorp Genetics (formerly Invitae), Labcorp
Classification: Likely pathogenic. Last evaluated: 2021-08-28. Review status: criteria provided, single submitter. Criteria: Invitae Variant Classification Sherloc (09022015). Collection method: clinical testing. Allele origin: germline.
Comment: This variant has not been reported in the literature in individuals affected with MUT-related conditions. This variant is not present in population databases (ExAC no frequency). This sequence change affects a donor splice site in intron 5 of the MUT gene. It is expected to disrupt RNA splicing. Variants that disrupt the donor or acceptor splice site typically lead to a loss of protein function (PMID: 16199547), and loss-of-function variants in MUT are known to be pathogenic (PMID: 15781192). ClinVar contains an entry for this variant (Variation ID: 558098). In summary, the currently available evidence indicates that the variant is pathogenic, but additional data are needed to prove that conclusively. Therefore, this variant has been classified as Likely Pathogenic. Algorithms developed to predict the effect of sequence changes on RNA splicing suggest that this variant may disrupt the consensus splice site.

Counsyl
Classification: Likely pathogenic for Methylmalonic aciduria due to methylmalonyl-CoA mutase deficiency. Last evaluated: 2018-05-02. Review status: no assertion criteria provided. Collection method: clinical testing. Allele origin: unknown. Not counted in ClinVar's aggregate classification.

Literature cited by the submitters: PubMed 16199547 (cited by Labcorp Genetics (formerly Invitae), Labcorp); PubMed 15781192 (cited by Labcorp Genetics (formerly Invitae), Labcorp).

NM_000255.4(MMUT):c.1083+1G>A

Gene: MMUT (methylmalonyl-CoA mutase; minus strand). Cytogenetic location: 6p12.3.
Variant type: single nucleotide variant.
Coding change: c.1083+1G>A on transcript NM_000255.4 (MANE Select); the canonical splice donor site of the intron after coding-DNA position 1083, G replaced by A.
Molecular consequence: splice donor variant.
Genome position (GRCh38, 1-based): chr6:49,453,584, C>T on the plus strand (G>A on the coding strand, the complement: MMUT is on the minus strand). VCF-style: chr6-49453584-C-T. GRCh37 (hg19) VCF-style: chr6-49421297-C-T.
Identifiers: ClinVar variation 558098 (VCV000558098.8), dbSNP rs1554160198, ClinGen allele CA364400065.